The following is an entry in ClinVar:

NM_000187.4(HGD):c.626_635del (p.Glu209fs)

Gene: HGD (homogentisate 1,2-dioxygenase; minus strand). Cytogenetic location: 3q13.33.
Variant type: Deletion.
Coding change: c.626_635del on transcript NM_000187.4 (MANE Select); coding-DNA positions 626 to 635, 10 bases deleted (AGTTACCTGA; older notation c.626_635delAGTTACCTGA).
Protein change: p.Glu209fs; shifts the reading frame from glutamic acid 209.
Molecular consequence: frameshift variant.
Genome position (GRCh38, 1-based): chr3:120,646,281-120,646,290, TCAGGTAACT deleted on the plus strand (AGTTACCTGA on the coding strand, the reverse complement: HGD is on the minus strand). VCF-style (leftmost placement, unchanged base first): chr3-120646280-GTCAGGTAACT-G. GRCh37 (hg19) VCF-style: chr3-120365127-GTCAGGTAACT-G.
Other names: short protein forms E209fs.
Identifiers: ClinVar variation 1725992 (VCV001725992.2), dbSNP rs2472697869, ClinGen allele CA2580068605.

ClinVar aggregate classification (germline): Likely pathogenic (1 of 4 stars; one submission).

Conditions:
Alkaptonuria (AKU). Also called: Alcaptonuria; Alkaptonuric ochronosis; HOMOGENTISIC ACID OXIDASE DEFICIENCY; Homogentisic acidura. Identifiers: Orphanet 56, MedGen C0002066, MONDO:0008753, OMIM 203500.

Submission:

Myriad Genetics, Inc.
Classification: Likely pathogenic for Alkaptonuria. Last evaluated: 2022-04-30. Review status: criteria provided, single submitter. Criteria: Myriad Women's Health Autosomal Recessive and X-Linked Classification Criteria (2021). Collection method: clinical testing. Allele origin: unknown.
Comment: NM_000187.3(HGD):c.626_635del10(E209Afs*17) is expected to be pathogenic in the context of alkaptonuria. This variant is predicted to lead to an abnormal or absent protein product due to the creation of a premature termination codon in HGD, a gene where loss-of-function variants are known to be pathogenic. Please note: this variant was assessed in the context of healthy population screening.